The following is an entry in ClinVar:

NM_001348800.3(ZBTB20):c.1976A>G (p.Glu659Gly)

Gene: ZBTB20 (zinc finger and BTB domain containing 20; minus strand). Cytogenetic location: 3q13.31.
Variant type: single nucleotide variant.
Coding change: c.1976A>G on transcript NM_001348800.3 (MANE Select); coding-DNA position 1976, A replaced by G.
Protein change: p.Glu659Gly; replaces glutamic acid 659 with glycine.
Molecular consequence: missense variant. On other transcripts: non-coding transcript variant (1).
Genome position (GRCh38, 1-based): chr3:114,339,255, T>C on the plus strand (A>G on the coding strand, the complement: ZBTB20 is on the minus strand). VCF-style: chr3-114339255-T-C. GRCh37 (hg19) VCF-style: chr3-114058102-T-C.
Other names: c.1976A>G, p.Glu659Gly (NM_001164342.2, NM_001348803.3, NM_001393393.1 and 1 more transcripts); c.1757A>G, p.Glu586Gly (NM_001164343.2, NM_001164344.4, NM_001164345.4 and 9 more transcripts); short protein forms E586G, E659G.
Identifiers: ClinVar variation 4795490 (VCV004795490.1).
Genomic context (GRCh38, chr3:114,339,255, plus strand): 5'-CGCTCCAGGAGGGTCTTGTGAGAGAACTTCTTTTTGCAGATGTAGCACTCGTAGGACTTC[T>C]CTCCCCGGTGGAGGCGCATGTGCACGTTGAGGGAGCTCTTCTGGGTGAAGCGCTTGTTGC-3'
Protein context (NP_001335729.1, residues 649-669): LNVHMRLHRG[Glu659Gly]KSYECYICKK

ClinVar aggregate classification (germline): Uncertain significance (1 of 4 stars; one submission).

gnomAD v4.1: 1 of 1,614,186 alleles (0.000062%); highest among the groups gnomAD compares: Non-Finnish European, 0.000085%; no homozygotes.

Submission:

GeneDx
Classification: Uncertain significance. Last evaluated: 2025-08-12. Review status: criteria provided, single submitter. Criteria: GeneDx Variant Classification Process June 2021. Collection method: clinical testing. Allele origin: germline. Affected: yes.
Comment: In silico analysis supports that this missense variant has a deleterious effect on protein structure/function; Has not been previously published as pathogenic or benign to our knowledge